The following is an entry in ClinVar:

ClinVar aggregate classification (germline): Benign (1 of 4 stars; one submission).

Conditions:
Amyotrophic lateral sclerosis type 6. Also called: FUS-Related Amyotrophic Laterial Sclerosis; AMYOTROPHIC LATERAL SCLEROSIS 6 WITHOUT FRONTOTEMPORAL DEMENTIA; Amyotrophic lateral sclerosis 6, with or without frontotemporal dementia. Identifiers: Orphanet 275872, Orphanet 803, MedGen C2931786, MONDO:0011951, OMIM 608030.

Allele frequency attached by ClinVar (database versions not stated): 1000 Genomes Project 0.01857; ExAC 0.00153; gnomAD exomes 0.00230 and 0.00401; gnomAD 0.01834 and 0.01715; TOPMed 0.01940; 1000 Genomes Project 30x 0.02077.

Submission:

Illumina Laboratory Services, Illumina
Classification: Benign for Amyotrophic lateral sclerosis type 6. Last evaluated: 2018-01-12. Review status: criteria provided, single submitter. Criteria: ICSL Variant Classification Criteria 13 December 2019. Collection method: clinical testing. Allele origin: germline.
Comment: This variant was observed in the ICSL laboratory as part of a predisposition screen in an ostensibly healthy population. It had not been previously curated by ICSL or reported in the Human Gene Mutation Database (HGMD: prior to June 1st, 2018), and was therefore a candidate for classification through an automated scoring system. Utilizing variant allele frequency, disease prevalence and penetrance estimates, and inheritance mode, an automated score was calculated to assess if this variant is too frequent to cause the disease. Based on the score and internal cut-off values, a variant classified as benign is not then subjected to further curation. The score for this variant resulted in a classification of benign for this disease.

NM_004960.3(FUS):c.*2393T>A

Gene: FUS (FUS DNA/RNA binding protein; plus strand). Cytogenetic location: 16p11.2.
Variant type: single nucleotide variant.
Coding change: c.*2393T>A on transcript NM_004960.3; 2393 bases downstream of the stop codon, T replaced by A.
Molecular consequence: 3 prime UTR variant (on NM_001170634.1). On other transcripts: non-coding transcript variant (1).
Genome position (GRCh38, 1-based): chr16:31,193,831, T>A. VCF-style: chr16-31193831-T-A. GRCh37 (hg19) VCF-style: chr16-31205152-T-A.
Other names: c.*2393T>A (NM_001170634.1, NM_001170937.1).
Identifiers: ClinVar variation 319040 (VCV000319040.7), dbSNP rs541197027, ClinGen allele CA8024322.